The following is an entry in ClinVar:

ClinVar aggregate classification (germline): Likely pathogenic (1 of 4 stars; one submission).

Conditions:
Hereditary hyperinsulinism.

Submission:

Natera, Inc.
Classification: Likely pathogenic for Hereditary hyperinsulinism. Last evaluated: 2025-12-24. Review status: criteria provided, single submitter. Criteria: Natera Variant Classification Schema (03/2026). Collection method: clinical testing. Allele origin: germline.
Comment: The c.852_871del variant in ABCC8 is a frameshift variant predicted to shift the reading frame beginning at codon 285 and leads to a stop codon 91 codons downstream. This variant is expected to result in nonsense mediated decay, truncation, or a dysfunctional protein product. This variant is rare in the general population with a frequency below the threshold expected for the associated phenotype(s). Given the available evidence, this variant is classified as Likely Pathogenic.

NM_000352.6(ABCC8):c.852_871del (p.Arg285fs)

Gene: ABCC8 (ATP binding cassette subfamily C member 8; minus strand). Cytogenetic location: 11p15.1.
Variant type: Deletion.
Coding change: c.852_871del on transcript NM_000352.6 (MANE Select); coding-DNA positions 852 to 871, 20 bases deleted (CCGGGCCATCTGGCAGGCAC).
Protein change: p.Arg285fs; shifts the reading frame from arginine 285.
Molecular consequence: frameshift variant. On other transcripts: non-coding transcript variant (1).
Genome position (GRCh38, 1-based): chr11:17,460,628-17,460,647, GTGCCTGCCAGATGGCCCGG deleted on the plus strand (CCGGGCCATCTGGCAGGCAC on the coding strand, the reverse complement: ABCC8 is on the minus strand); deleting any 20 consecutive bases within chr11:17,460,628-17,460,648 gives the same sequence; the c. name uses the placement nearest the transcript's 3' end. VCF-style (leftmost placement, unchanged base first): chr11-17460627-AGTGCCTGCCAGATGGCCCGG-A. GRCh37 (hg19) VCF-style: chr11-17482174-AGTGCCTGCCAGATGGCCCGG-A.
Other names: c.852_871del, p.Arg285fs (NM_001287174.3, NM_001351295.2); c.849_868del, p.Arg284fs (NM_001351296.2, NM_001351297.2); short protein forms R284fs, R285fs.
Identifiers: ClinVar variation 4818260 (VCV004818260.1).